The following is an entry in ClinVar:

NM_006206.6(PDGFRA):c.1392T>G (p.Ile464Met)

Gene: PDGFRA (platelet derived growth factor receptor alpha; plus strand). Cytogenetic location: 4q12.
Variant type: single nucleotide variant.
Coding change: c.1392T>G on transcript NM_006206.6 (MANE Select); coding-DNA position 1392, T replaced by G.
Protein change: p.Ile464Met; replaces isoleucine 464 with methionine.
Molecular consequence: missense variant.
Genome position (GRCh38, 1-based): chr4:54,273,564, T>G. VCF-style: chr4-54273564-T-G. GRCh37 (hg19) VCF-style: chr4-55139731-T-G.
Other names: c.1392T>G, p.Ile464Met (NM_001347827.2, NM_001347829.2); c.1467T>G, p.Ile489Met (NM_001347828.2); c.1431T>G, p.Ile477Met (NM_001347830.2); short protein forms I464M, I489M, I477M.
Identifiers: ClinVar variation 4665406 (VCV004665406.1).
Genomic context (GRCh38, chr4:54,273,564, plus strand): 5'-TTGGCCCTATACTTAGGCCCTTTTTCTCTCTAGATGTAATAATGAAACTTCCTGGACTAT[T>G]TTGGCCAACAATGTCTCAAACATCATCACGGAGATCCACTCCCGAGACAGGAGTACCGTG-3'
Protein context (NP_006197.1, residues 454-474): KKCNNETSWT[Ile464Met]LANNVSNIIT

ClinVar aggregate classification (germline): Uncertain significance (1 of 4 stars; one submission).

Conditions:
Hereditary cancer-predisposing syndrome. Also called: Neoplastic Syndromes, Hereditary; Tumor predisposition; Hereditary Cancer Syndrome; Hereditary neoplastic syndrome. Identifiers: Orphanet 140162, MedGen C0027672, MeSH D009386, MONDO:0015356.

Submission:

Ambry Genetics
Classification: Uncertain significance for Hereditary cancer-predisposing syndrome. Last evaluated: 2025-11-15. Review status: criteria provided, single submitter. Criteria: Ambry Variant Classification Scheme 2023. Collection method: clinical testing. Allele origin: germline.
Comment: The p.I464M variant (also known as c.1392T>G), located in coding exon 9 of the PDGFRA gene, results from a T to G substitution at nucleotide position 1392. The isoleucine at codon 464 is replaced by methionine, an amino acid with highly similar properties. This amino acid position is conserved. In addition, this alteration is predicted to be tolerated by in silico analysis. Based on the available evidence, the clinical significance of this variant remains unclear.